The following is an entry in ClinVar:

NM_004260.4(RECQL4):c.2948G>A (p.Ser983Asn)

Gene: RECQL4 (RecQ like helicase 4; minus strand). Cytogenetic location: 8q24.3.
Variant type: single nucleotide variant.
Coding change: c.2948G>A on transcript NM_004260.4 (MANE Select); coding-DNA position 2948, G replaced by A.
Protein change: p.Ser983Asn; replaces serine 983 with asparagine.
Molecular consequence: missense variant.
Genome position (GRCh38, 1-based): chr8:144,512,499, C>T on the plus strand (G>A on the coding strand, the complement: RECQL4 is on the minus strand). VCF-style: chr8-144512499-C-T. GRCh37 (hg19) VCF-style: chr8-145737882-C-T.
Other names: short protein forms S983N.
Identifiers: ClinVar variation 646439 (VCV000646439.1), dbSNP rs1586795561, ClinGen allele CA372673239.
Genomic context (GRCh38, chr8:144,512,499, plus strand): 5'-ACAGAGGCCAGCTCCCAGCCCATGGAGTCCACCAGCTTGACCATGTCAAACTCCACGGAG[C>T]TGCTGCCTTGCCCTGGGTCCTCAGGCAGCTGCTGGGCCAAGCACACAGCCAAAGGGGGAC-3'
Protein context (NP_004251.4, residues 973-993): QLPEDPGQGS[Ser983Asn]SVEFDMVKLV

ClinVar aggregate classification (germline): Uncertain significance (1 of 4 stars; one submission).

Conditions:
Baller-Gerold syndrome (BGS). Also called: CRANIOSYNOSTOSIS WITH RADIAL DEFECTS. Identifiers: Orphanet 1225, MedGen C0265308, MONDO:0009039, OMIM 218600.

Allele frequency attached by ClinVar (database versions not stated): gnomAD exomes below 0.00001.
gnomAD v4.1: 3 of 1,612,552 alleles (0.00019%); highest among the groups gnomAD compares: Non-Finnish European, 0.00025%; no homozygotes.

Submission:

Labcorp Genetics (formerly Invitae), Labcorp
Classification: Uncertain significance for Baller-Gerold syndrome. Last evaluated: 2018-12-21. Review status: criteria provided, single submitter. Criteria: Invitae Variant Classification Sherloc (09022015). Collection method: clinical testing. Allele origin: germline.
Comment: This sequence change replaces serine withÂ¬â€ asparagineÂ¬â€ at codon 983 of the RECQL4 protein (p.Ser983Asn). TheÂ¬â€ serineÂ¬â€ residue is moderately conserved and there is a small physicochemical difference betweenÂ¬â€ serineÂ¬â€ andÂ¬â€ asparagine. This variant is not present in population databases (ExAC no frequency). This variant has not been reported in the literature in individuals with RECQL4-related conditions. Algorithms developed to predict the effect of missense changes on protein structure and function (SIFT, PolyPhen-2, Align-GVGD) all suggest that this variant is likely to be tolerated, but these predictions have not been confirmed by published functional studies and their clinical significance is uncertain. In summary, the available evidence is currently insufficient to determine the role of this variant in disease. Therefore, it has been classified as a Variant of Uncertain Significance.